The following is an entry in ClinVar:

ClinVar aggregate classification (germline): Likely benign. Review status: criteria provided, multiple submitters, no conflicts (2 of 4 stars). 3 submissions from 3 submitters: Likely benign (3). Last evaluated 2026-02-06.

Conditions:
Inborn genetic diseases. Identifiers: MedGen C0950123, MeSH D030342.

Allele frequency attached by ClinVar (database versions not stated): gnomAD 0.00001; ExAC 0.00003; gnomAD exomes 0.00003; TOPMed 0.00003.
gnomAD v4.1: 20 of 1,614,048 alleles (0.0012%); highest among the groups gnomAD compares: Admixed American, 0.025%; no homozygotes.

Submissions (3):

Women's Health and Genetics/Laboratory Corporation of America, LabCorp
Classification: Likely benign. Last evaluated: 2026-02-06. Review status: criteria provided, single submitter. Criteria: LabCorp Variant Classification Summary - May 2015. Collection method: clinical testing. Allele origin: germline.
Comment: Variant summary: HIVEP2 c.7105A>G (p.Ile2369Val) results in a conservative amino acid change in the encoded protein sequence. Algorithms developed to predict the effect of missense changes on protein structure and function are either unavailable or do not agree on the potential impact of this missense change. The variant allele was found at a frequency of 5.6e-05 in 248752 control chromosomes, predominantly at a frequency of 0.00038 within the Latino subpopulation in the gnomAD database. To our knowledge, no occurrence of c.7105A>G in individuals affected with HIVEP2-related conditions and no experimental evidence demonstrating its impact on protein function have been reported. ClinVar contains an entry for this variant (Variation ID: 2073508). Based on the evidence outlined above, the variant was classified as likely benign.

Labcorp Genetics (formerly Invitae), Labcorp
Classification: Likely benign. Last evaluated: 2025-02-15. Review status: criteria provided, single submitter. Criteria: Invitae Variant Classification Sherloc (09022015). Collection method: clinical testing. Allele origin: germline.

Ambry Genetics
Classification: Likely benign for Inborn genetic diseases. Last evaluated: 2024-06-26. Review status: criteria provided, single submitter. Criteria: Ambry Variant Classification Scheme 2023. Collection method: clinical testing. Allele origin: germline.

NM_006734.4(HIVEP2):c.7105A>G (p.Ile2369Val)

Gene: HIVEP2 (HIVEP zinc finger 2; minus strand). Cytogenetic location: 6q24.2.
Variant type: single nucleotide variant.
Coding change: c.7105A>G on transcript NM_006734.4 (MANE Select); coding-DNA position 7105, A replaced by G.
Protein change: p.Ile2369Val; replaces isoleucine 2369 with valine.
Molecular consequence: missense variant.
Genome position (GRCh38, 1-based): chr6:142,753,343, T>C on the plus strand (A>G on the coding strand, the complement: HIVEP2 is on the minus strand). VCF-style: chr6-142753343-T-C. GRCh37 (hg19) VCF-style: chr6-143074480-T-C.
Other names: c.7105A>G (NM_006734.3); short protein forms I2369V.
Identifiers: ClinVar variation 2073508 (VCV002073508.8), dbSNP rs201910666, ClinGen allele CA4027563.